The following is an entry in ClinVar:

NM_002180.3(IGHMBP2):c.1720G>A (p.Ala574Thr)

Gene: IGHMBP2 (immunoglobulin mu DNA binding protein 2; plus strand). Cytogenetic location: 11q13.3.
Variant type: single nucleotide variant.
Coding change: c.1720G>A on transcript NM_002180.3 (MANE Select); coding-DNA position 1720, G replaced by A.
Protein change: p.Ala574Thr; replaces alanine 574 with threonine.
Molecular consequence: missense variant.
Genome position (GRCh38, 1-based): chr11:68,935,386, G>A. VCF-style: chr11-68935386-G-A. GRCh37 (hg19) VCF-style: chr11-68702854-G-A.
Other names: short protein forms A574T.
Identifiers: ClinVar variation 496693 (VCV000496693.5), dbSNP rs1378524388, ClinGen allele CA381651237.

ClinVar aggregate classification (germline): Uncertain significance (1 of 4 stars; one submission).

Conditions:
Autosomal recessive distal spinal muscular atrophy 1. Also called: NEURONOPATHY, SEVERE INFANTILE AXONAL, WITH RESPIRATORY FAILURE; SEVERE INFANTILE AXONAL NEUROPATHY WITH RESPIRATORY FAILURE; SPINAL MUSCULAR ATROPHY, DIAPHRAGMATIC; Spinal muscular atrophy with respiratory distress 1; NEURONOPATHY, DISTAL HEREDITARY MOTOR, HARDING TYPE VI; NEUROPATHY, DISTAL HEREDITARY MOTOR, AUTOSOMAL RECESSIVE 1. Identifiers: Orphanet 98920, MedGen C1858517, MONDO:0011436, OMIM 604320.

Allele frequency attached by ClinVar (database versions not stated): gnomAD exomes below 0.00001; TOPMed below 0.00001.

Submission:

Service de Pédiatrie - Neurologie et infectiologie - Toulouse, CHU de Toulouse - Hôpital des Enfants
Classification: Uncertain significance for Autosomal recessive distal spinal muscular atrophy 1. Last evaluated: 2018-01-21. Review status: criteria provided, single submitter. Criteria: ACMG Guidelines, 2015. Collection method: case-control. Allele origin: maternal. Inheritance: Autosomal recessive inheritance. Affected: yes. Observed: 1 variant allele, 1 compound heterozygote.
Comment: Well conserved across species. Never published yet. Missense mutation in the end of the main functional domain of IGHMBP2 "DNA helicase" in the region 2A where ATP binding sites seem to be concentrated.